The following is an entry in ClinVar:

ClinVar aggregate classification (germline): Uncertain significance (1 of 4 stars; one submission).

Conditions:
Progressive myoclonic epilepsy type 5. Identifiers: Orphanet 402082, MedGen C5190799.

Submission:

Labcorp Genetics (formerly Invitae), Labcorp
Classification: Uncertain significance for Progressive myoclonic epilepsy type 5. Last evaluated: 2020-02-13. Review status: criteria provided, single submitter. Criteria: Invitae Variant Classification Sherloc (09022015). Collection method: clinical testing. Allele origin: germline.
Comment: This sequence change replaces alanine with glycine at codon 33 of the PRICKLE2 protein (p.Ala33Gly). The alanine residue is highly conserved and there is a small physicochemical difference between alanine and glycine. This variant is not present in population databases (ExAC no frequency). This variant has not been reported in the literature in individuals with PRICKLE2-related conditions. Algorithms developed to predict the effect of missense changes on protein structure and function are either unavailable or do not agree on the potential impact of this missense change (SIFT: "Deleterious"; PolyPhen-2: "Probably Damaging"; Align-GVGD: "Class C0"). In summary, the available evidence is currently insufficient to determine the role of this variant in disease. Therefore, it has been classified as a Variant of Uncertain Significance.

NM_198859.4(PRICKLE2):c.98C>G (p.Ala33Gly)

Genes: PRICKLE2-AS3 (PRICKLE2 antisense RNA 3; plus strand), PRICKLE2 (prickle planar cell polarity protein 2; minus strand). Cytogenetic location: 3p14.1.
Variant type: single nucleotide variant.
Coding change: c.98C>G on transcript NM_198859.4 (MANE Select); coding-DNA position 98, C replaced by G.
Protein change: p.Ala33Gly; replaces alanine 33 with glycine.
Molecular consequence: missense variant. On other transcripts: non-coding transcript variant (1).
Genome position (GRCh38, 1-based): chr3:64,198,830, G>C on the plus strand (C>G on the coding strand, the complement: PRICKLE2 is on the minus strand). VCF-style: chr3-64198830-G-C. GRCh37 (hg19) VCF-style: chr3-64184506-G-C.
Other names: c.98C>G, p.Ala33Gly (NM_001370528.1); short protein forms A33G.
Identifiers: ClinVar variation 1041252 (VCV001041252.5), dbSNP rs2078512537, ClinGen allele CA353540987.